The following is an entry in ClinVar:

NM_001165963.4(SCN1A):c.3518A>G (p.Glu1173Gly)

Genes: SCN1A (sodium voltage-gated channel alpha subunit 1; minus strand), LOC102724058 (uncharacterized LOC102724058; plus strand). Cytogenetic location: 2q24.3.
Variant type: single nucleotide variant.
Coding change: c.3518A>G on transcript NM_001165963.4 (MANE Select); coding-DNA position 3518, A replaced by G.
Protein change: p.Glu1173Gly; replaces glutamic acid 1173 with glycine.
Molecular consequence: missense variant. On other transcripts: non-coding transcript variant (2).
Genome position (GRCh38, 1-based): chr2:166,015,639, T>C on the plus strand (A>G on the coding strand, the complement: SCN1A is on the minus strand). VCF-style: chr2-166015639-T-C. GRCh37 (hg19) VCF-style: chr2-166872149-T-C.
Other names: c.3434A>G, p.Glu1145Gly (NM_001353958.2, NM_001353957.2, NM_001165964.3); c.3431A>G, p.Glu1144Gly (NM_001353960.2); c.1076A>G, p.Glu359Gly (NM_001353961.2); c.3485A>G, p.Glu1162Gly (NM_006920.6, NM_001353950.2, NM_001353951.2 and 2 more transcripts); c.3482A>G, p.Glu1161Gly (NM_001353954.2, NM_001353955.2); c.3518A>G, p.Glu1173Gly (NM_001202435.3, NM_001353948.2); short protein forms E1144G, E1161G, E1162G, E359G, E1145G, E1173G.
Identifiers: ClinVar variation 3438189 (VCV003438189.2).

ClinVar aggregate classification (germline): Uncertain significance. Review status: criteria provided, multiple submitters, no conflicts (2 of 4 stars). 2 submissions from 2 submitters: Uncertain significance (2). Last evaluated 2025-07-16.

Conditions:
Inborn genetic diseases. Identifiers: MedGen C0950123, MeSH D030342.

Submissions (2):

GeneDx
Classification: Uncertain significance. Last evaluated: 2025-07-16. Review status: criteria provided, single submitter. Criteria: GeneDx Variant Classification Process June 2021. Collection method: clinical testing. Allele origin: germline. Affected: yes.
Comment: Not observed at significant frequency in large population cohorts (gnomAD); In silico analysis supports that this missense variant has a deleterious effect on protein structure/function; Has not been previously published as pathogenic or benign to our knowledge; This substitution is predicted to be within the cytoplasmic loop between the second and third homologous domains

Ambry Genetics
Classification: Uncertain significance for Inborn genetic diseases. Last evaluated: 2024-12-02. Review status: criteria provided, single submitter. Criteria: Ambry Variant Classification Scheme 2023. Collection method: clinical testing. Allele origin: germline.